The following is an entry in ClinVar:

ClinVar aggregate classification (germline): Uncertain significance (1 of 4 stars; one submission).

Allele frequency attached by ClinVar (database versions not stated): gnomAD exomes below 0.00001 and 0.00001; ExAC 0.00001; gnomAD 0.00001.
gnomAD v4.1: 2 of 1,613,542 alleles (0.00012%); highest among the groups gnomAD compares: African/African-American, 0.0013%; no homozygotes.

Submission:

Labcorp Genetics (formerly Invitae), Labcorp
Classification: Uncertain significance. Last evaluated: 2025-07-13. Review status: criteria provided, single submitter. Criteria: Invitae Variant Classification Sherloc (09022015). Collection method: clinical testing. Allele origin: germline.
Comment: This sequence change replaces glutamic acid, which is acidic and polar, with lysine, which is basic and polar, at codon 451 of the DSG1 protein (p.Glu451Lys). This variant is present in population databases (rs778549071, gnomAD 0.004%). This variant has not been reported in the literature in individuals affected with DSG1-related conditions. ClinVar contains an entry for this variant (Variation ID: 1362778). Invitae Evidence Modeling of protein sequence and biophysical properties (such as structural, functional, and spatial information, amino acid conservation, physicochemical variation, residue mobility, and thermodynamic stability) indicates that this missense variant is not expected to disrupt DSG1 protein function with a negative predictive value of 80%. In summary, the available evidence is currently insufficient to determine the role of this variant in disease. Therefore, it has been classified as a Variant of Uncertain Significance.

NM_001942.4(DSG1):c.1351G>A (p.Glu451Lys)

Gene: DSG1 (desmoglein 1; plus strand). Cytogenetic location: 18q12.1.
Variant type: single nucleotide variant.
Coding change: c.1351G>A on transcript NM_001942.4 (MANE Select); coding-DNA position 1351, G replaced by A.
Protein change: p.Glu451Lys; replaces glutamic acid 451 with lysine.
Molecular consequence: missense variant.
Genome position (GRCh38, 1-based): chr18:31,338,400, G>A. VCF-style: chr18-31338400-G-A. GRCh37 (hg19) VCF-style: chr18-28918363-G-A.
Other names: short protein forms E451K.
Identifiers: ClinVar variation 1362778 (VCV001362778.8), dbSNP rs778549071, ClinGen allele CA8926062.